The following is an entry in ClinVar:

NM_014797.3(ZBTB24):c.2070G>A (p.Thr690=)

Genes: MICAL1 (microtubule associated monooxygenase, calponin and LIM domain containing 1; minus strand), ZBTB24 (zinc finger and BTB domain containing 24; minus strand). Cytogenetic location: 6q21.
Variant type: single nucleotide variant.
Coding change: c.2070G>A on transcript NM_014797.3 (MANE Select); coding-DNA position 2070, G replaced by A.
Protein change: p.Thr690=; no amino-acid change (threonine 690 retained).
Molecular consequence: synonymous variant. On other transcripts: 5 prime UTR variant (1).
Genome position (GRCh38, 1-based): chr6:109,465,875, C>T on the plus strand (G>A on the coding strand, the complement: ZBTB24 is on the minus strand). VCF-style: chr6-109465875-C-T. GRCh37 (hg19) VCF-style: chr6-109787078-C-T.
Other names: c.-198G>A (NM_001286613.2).
Identifiers: ClinVar variation 782475 (VCV000782475.27), dbSNP rs148353968, ClinGen allele CA3953959.

ClinVar aggregate classification (germline): Benign/Likely benign. Review status: criteria provided, multiple submitters, no conflicts (2 of 4 stars). 4 submissions from 4 submitters: Benign (1); Likely benign (2). 1 of the submissions does not count toward it. Last evaluated 2026-02-01.

Conditions:
Immunodeficiency-centromeric instability-facial anomalies syndrome 2 (ICF2). Identifiers: Orphanet 2268, MedGen C3279748, MONDO:0013553, OMIM 614069.
ZBTB24-related disorder. Also called: ZBTB24-related condition.

Allele frequency attached by ClinVar (database versions not stated): ExAC 0.00025; ESP Exome Variant Server 0.00077; gnomAD exomes 0.00012 and 0.00021; gnomAD 0.00070 and 0.00076; TOPMed 0.00083.
gnomAD v4.1: 280 of 1,614,136 alleles (0.017%); highest among the groups gnomAD compares: African/African-American, 0.26%; 1 homozygote.

Submissions (4):

Labcorp Genetics (formerly Invitae), Labcorp
Classification: Benign for Immunodeficiency-centromeric instability-facial anomalies syndrome 2. Last evaluated: 2026-02-01. Review status: criteria provided, single submitter. Criteria: Invitae Variant Classification Sherloc (09022015). Collection method: clinical testing. Allele origin: germline.

ARUP Laboratories, Molecular Genetics and Genomics, ARUP Laboratories
Classification: Likely benign for Immunodeficiency-centromeric instability-facial anomalies syndrome 2. Last evaluated: 2025-05-23. Review status: criteria provided, single submitter. Criteria: ARUP Molecular Germline Variant Investigation Process 2024. Collection method: clinical testing. Allele origin: germline.

CeGaT Center for Human Genetics Tuebingen
Classification: Likely benign. Last evaluated: 2024-11-01. Review status: criteria provided, single submitter. Criteria: CeGaT Center For Human Genetics Tuebingen Variant Classification Criteria Version 2. Collection method: clinical testing. Allele origin: germline. Affected: yes. Observed: 1 variant allele.
Comment: ZBTB24: BP4, BP7

PreventionGenetics, part of Exact Sciences
Classification: Likely benign for ZBTB24-related condition. Last evaluated: 2019-05-21. Review status: no assertion criteria provided. Collection method: clinical testing. Allele origin: germline. Not counted in ClinVar's aggregate classification.
Comment: This variant is classified as likely benign based on ACMG/AMP sequence variant interpretation guidelines (Richards et al. 2015 PMID: 25741868, with internal and published modifications).